The following is an entry in ClinVar:

ClinVar aggregate classification (germline): Uncertain significance (1 of 4 stars; one submission).

Conditions:
PDE1C-related disorder. Also called: PDE1C-related condition.

gnomAD v4.1: 21 of 1,610,894 alleles (0.0013%); highest among the groups gnomAD compares: Middle Eastern, 0.016%; no homozygotes.

Submission:

PreventionGenetics, part of Exact Sciences
Classification: Uncertain significance for PDE1C-related condition. Last evaluated: 2026-08-12. Review status: criteria provided, single submitter. Criteria: ACMG Guidelines, 2015. Collection method: clinical testing. Allele origin: germline.
Comment: The PDE1C c.2171G>A variant is predicted to result in the amino acid substitution p.Arg724His. To our knowledge, this variant has not been reported in the literature. This variant is reported in 0.0056% of alleles in individuals of European (Non-Finnish) descent in gnomAD. At this time, the clinical significance of this variant is uncertain due to the absence of conclusive functional and genetic evidence.

NM_001191057.4(PDE1C):c.1991G>A (p.Arg664His)

Gene: PDE1C (phosphodiesterase 1C; minus strand). Cytogenetic location: 7p14.3.
Variant type: single nucleotide variant.
Coding change: c.1991G>A on transcript NM_001191057.4 (MANE Select); coding-DNA position 1991, G replaced by A.
Protein change: p.Arg664His; replaces arginine 664 with histidine.
Molecular consequence: missense variant.
Genome position (GRCh38, 1-based): chr7:31,753,523, C>T on the plus strand (G>A on the coding strand, the complement: PDE1C is on the minus strand). VCF-style: chr7-31753523-C-T. GRCh37 (hg19) VCF-style: chr7-31793137-C-T.
Other names: c.2171G>A, p.Arg724His (NM_001191058.4); c.1991G>A, p.Arg664His (NM_001191059.4, NM_001322055.2); short protein forms R724H, R664H.
Identifiers: ClinVar variation 4977402 (VCV004977402.1).